The following is an entry in ClinVar:

NM_021072.4(HCN1):c.728T>A (p.Met243Lys)

Gene: HCN1 (hyperpolarization activated cyclic nucleotide gated potassium channel 1; minus strand). Cytogenetic location: 5p12.
Variant type: single nucleotide variant.
Coding change: c.728T>A on transcript NM_021072.4 (MANE Select); coding-DNA position 728, T replaced by A.
Protein change: p.Met243Lys; replaces methionine 243 with lysine.
Molecular consequence: missense variant.
Genome position (GRCh38, 1-based): chr5:45,645,306, A>T on the plus strand (T>A on the coding strand, the complement: HCN1 is on the minus strand). VCF-style: chr5-45645306-A-T. GRCh37 (hg19) VCF-style: chr5-45645408-A-T.
Other names: short protein forms M243K.
Identifiers: ClinVar variation 4747456 (VCV004747456.1).

ClinVar aggregate classification (germline): Uncertain significance (1 of 4 stars; one submission).

Conditions:
Early-infantile DEE. Also called: Ohtahara syndrome; Early infantile epileptic encephalopathy with suppression bursts; Early infantile epileptic encephalopathy. Identifiers: Orphanet 1934, MedGen C0393706, MONDO:0800491.

Submission:

Labcorp Genetics (formerly Invitae), Labcorp
Classification: Uncertain significance for Early-infantile DEE. Last evaluated: 2025-10-20. Review status: criteria provided, single submitter. Criteria: Invitae Variant Classification Sherloc (09022015). Collection method: clinical testing. Allele origin: germline.
Comment: This sequence change replaces methionine, which is neutral and non-polar, with lysine, which is basic and polar, at codon 243 of the HCN1 protein (p.Met243Lys). This variant is not present in population databases (gnomAD no frequency). This variant has not been reported in the literature in individuals affected with HCN1-related conditions. Invitae Evidence Modeling of protein sequence and biophysical properties (such as structural, functional, and spatial information, amino acid conservation, physicochemical variation, residue mobility, and thermodynamic stability) indicates that this missense variant is not expected to disrupt HCN1 protein function with a negative predictive value of 95%. This variant disrupts the p.Met243 amino acid residue in HCN1. Other variant(s) that disrupt this residue have been determined to be pathogenic (PMID: 30351409). This suggests that this residue is clinically significant, and that variants that disrupt this residue are likely to be disease-causing. In summary, the available evidence is currently insufficient to determine the role of this variant in disease. Therefore, it has been classified as a Variant of Uncertain Significance.

Literature cited by the submitters: PubMed 30351409.